The following is an entry in ClinVar:

NM_007283.7(MGLL):c.658G>A (p.Gly220Ser)

Gene: MGLL (monoglyceride lipase; minus strand). Cytogenetic location: 3q21.3.
Variant type: single nucleotide variant.
Coding change: c.658G>A on transcript NM_007283.7 (MANE Select); coding-DNA position 658, G replaced by A.
Protein change: p.Gly220Ser; replaces glycine 220 with serine.
Molecular consequence: missense variant.
Genome position (GRCh38, 1-based): chr3:127,695,133, C>T on the plus strand (G>A on the coding strand, the complement: MGLL is on the minus strand). VCF-style: chr3-127695133-C-T. GRCh37 (hg19) VCF-style: chr3-127413976-C-T.
Other names: c.628G>A, p.Gly210Ser (NM_001003794.3, NM_001388314.1, NM_001388315.1); c.568G>A, p.Gly190Ser (NM_001256585.2); c.736G>A, p.Gly246Ser (NM_001388312.1); c.706G>A, p.Gly236Ser (NM_001388313.1); c.538G>A, p.Gly180Ser (NM_001388316.1); c.550G>A, p.Gly184Ser (NM_001388317.1, NM_001388318.1); short protein forms G180S, G184S, G190S, G210S, G220S, G236S, G246S.
Identifiers: ClinVar variation 3042845 (VCV003042845.2), dbSNP rs138122374, ClinGen allele CA2597523.

ClinVar aggregate classification (germline): Likely benign (0 of 4 stars; one submission).

Conditions:
MGLL-related disorder. Also called: MGLL-related condition.

Allele frequency attached by ClinVar (database versions not stated): ESP Exome Variant Server 0.00024; gnomAD exomes 0.00098; gnomAD 0.00149; TOPMed 0.00201; ExAC 0.00252; 1000 Genomes Project 30x 0.00406; 1000 Genomes Project 0.00419.
gnomAD v4.1: 1,668 of 1,614,136 alleles (0.1%); highest among the groups gnomAD compares: East Asian, 1.1%; 13 homozygotes.

Submission:

PreventionGenetics, part of Exact Sciences
Classification: Likely benign for MGLL-related condition. Last evaluated: 2019-03-29. Review status: no assertion criteria provided. Collection method: clinical testing. Allele origin: germline.
Comment: This variant is classified as likely benign based on ACMG/AMP sequence variant interpretation guidelines (Richards et al. 2015 PMID: 25741868, with internal and published modifications).